The following is an entry in ClinVar:

NM_004667.6(HERC2):c.8572A>T (p.Asn2858Tyr)

Gene: HERC2 (HECT and RLD domain containing E3 ubiquitin protein ligase 2; minus strand). Cytogenetic location: 15q13.1.
Variant type: single nucleotide variant.
Coding change: c.8572A>T on transcript NM_004667.6 (MANE Select); coding-DNA position 8572, A replaced by T.
Protein change: p.Asn2858Tyr; replaces asparagine 2858 with tyrosine.
Molecular consequence: missense variant.
Genome position (GRCh38, 1-based): chr15:28,191,042, T>A on the plus strand (A>T on the coding strand, the complement: HERC2 is on the minus strand). VCF-style: chr15-28191042-T-A. GRCh37 (hg19) VCF-style: chr15-28436188-T-A.
Other names: short protein forms N2858Y.
Identifiers: ClinVar variation 3367663 (VCV003367663.2).
Genomic context (GRCh38, chr15:28,191,042, plus strand): 5'-GAAGGGGCACTGTGGTGTCAGAAGGGTTAATATTGATTGTCTTTAGTTCAATAAGGTTAT[T>A]CAGGGAATTTCCACCTAGGAAAAAATGGGTAAAGAATCAAACAAAGGCGTCTTTATTATA-3'
Protein context (NP_004658.3, residues 2848-2868): LVVVSGGNSL[Asn2858Tyr]NLIELKTINI

ClinVar aggregate classification (germline): Uncertain significance (1 of 4 stars; one submission).

gnomAD v4.1: 11 of 1,611,814 alleles (0.00068%); highest among the groups gnomAD compares: African/African-American, 0.0013%; no homozygotes.

Submission:

GeneDx
Classification: Uncertain significance. Last evaluated: 2025-05-05. Review status: criteria provided, single submitter. Criteria: GeneDx Variant Classification Process June 2021. Collection method: clinical testing. Allele origin: germline.
Comment: In silico analysis supports that this missense variant has a deleterious effect on protein structure/function; Has not been previously published as pathogenic or benign to our knowledge